The following is an entry in ClinVar:

NM_014444.5(TUBGCP4):c.1364C>G (p.Ser455Cys)

Gene: TUBGCP4 (tubulin gamma complex component 4; plus strand). Cytogenetic location: 15q15.3.
Variant type: single nucleotide variant.
Coding change: c.1364C>G on transcript NM_014444.5 (MANE Select); coding-DNA position 1364, C replaced by G.
Protein change: p.Ser455Cys; replaces serine 455 with cysteine.
Molecular consequence: missense variant.
Genome position (GRCh38, 1-based): chr15:43,398,125, C>G. VCF-style: chr15-43398125-C-G. GRCh37 (hg19) VCF-style: chr15-43690323-C-G.
Other names: c.1367C>G, p.Ser456Cys (NM_001286414.3); short protein forms S455C, S456C.
Identifiers: ClinVar variation 1519611 (VCV001519611.8), dbSNP rs775111049, ClinGen allele CA7524072.

ClinVar aggregate classification (germline): Uncertain significance (1 of 4 stars; one submission).

gnomAD v4.1: 3 of 1,614,158 alleles (0.00019%); highest among the groups gnomAD compares: African/African-American, 0.0027%; no homozygotes.

Submission:

Labcorp Genetics (formerly Invitae), Labcorp
Classification: Uncertain significance. Last evaluated: 2022-01-25. Review status: criteria provided, single submitter. Criteria: Invitae Variant Classification Sherloc (09022015). Collection method: clinical testing. Allele origin: germline.
Comment: In summary, the available evidence is currently insufficient to determine the role of this variant in disease. Therefore, it has been classified as a Variant of Uncertain Significance. Algorithms developed to predict the effect of missense changes on protein structure and function are either unavailable or do not agree on the potential impact of this missense change (SIFT: "Deleterious"; PolyPhen-2: "Benign"; Align-GVGD: "Class C15"). This variant has not been reported in the literature in individuals affected with TUBGCP4-related conditions. This variant is present in population databases (rs775111049, gnomAD 0.01%). This sequence change replaces serine, which is neutral and polar, with cysteine, which is neutral and slightly polar, at codon 456 of the TUBGCP4 protein (p.Ser456Cys).